The following is an entry in ClinVar:

ClinVar aggregate classification (germline): Likely benign (0 of 4 stars; one submission).

Conditions:
PROS1-related disorder. Also called: PROS1-related condition.

Allele frequency attached by ClinVar (database versions not stated): ExAC 0.00002.
gnomAD v4.1: 3 of 1,613,312 alleles (0.00019%); highest among the groups gnomAD compares: Non-Finnish European, 0.000085%; no homozygotes.

Submission:

PreventionGenetics, part of Exact Sciences
Classification: Likely benign for PROS1-related condition. Last evaluated: 2020-04-03. Review status: no assertion criteria provided. Collection method: clinical testing. Allele origin: germline.
Comment: This variant is classified as likely benign based on ACMG/AMP sequence variant interpretation guidelines (Richards et al. 2015 PMID: 25741868, with internal and published modifications).

NM_000313.4(PROS1):c.2031A>G (p.Ter677=)

Gene: PROS1 (protein S; minus strand). Cytogenetic location: 3q11.1.
Variant type: single nucleotide variant.
Coding change: c.2031A>G on transcript NM_000313.4 (MANE Select); coding-DNA position 2031, A replaced by G.
Protein change: p.Ter677=.
Molecular consequence: synonymous variant.
Genome position (GRCh38, 1-based): chr3:93,874,245, T>C on the plus strand (A>G on the coding strand, the complement: PROS1 is on the minus strand). VCF-style: chr3-93874245-T-C. GRCh37 (hg19) VCF-style: chr3-93593089-T-C.
Other names: c.2127A>G, p.Ter709= (NM_001314077.2).
Identifiers: ClinVar variation 3054560 (VCV003054560.2), dbSNP rs267606981, ClinGen allele CA2503051.